The following is an entry in ClinVar:

ClinVar aggregate classification (germline): Uncertain significance (1 of 4 stars; one submission).

Conditions:
Emery-Dreifuss muscular dystrophy 4, autosomal dominant (EDMD4). Also called: EMERY-DREIFUSS MUSCULAR DYSTROPHY 4 WITH VARIABLE FEATURES. Identifiers: Orphanet 261, MedGen C2751807, MONDO:0013071, OMIM 612998.
Autosomal recessive ataxia, Beauce type. Also called: SYNE1 Deficiency; Spinocerebellar ataxia, autosomal recessive 8; ATAXIA, RECESSIVE, OF BEAUCE; SYNE1-Related Autosomal Recessive Cerebellar Ataxia. Identifiers: Orphanet 88644, MedGen C1853116, MONDO:0012549, OMIM 610743.

Allele frequency attached by ClinVar (database versions not stated): TOPMed below 0.00001.

Submission:

Labcorp Genetics (formerly Invitae), Labcorp
Classification: Uncertain significance for Emery-Dreifuss muscular dystrophy 4, autosomal dominant; Autosomal recessive ataxia, Beauce type. Last evaluated: 2022-05-20. Review status: criteria provided, single submitter. Criteria: Invitae Variant Classification Sherloc (09022015). Collection method: clinical testing. Allele origin: germline.
Comment: In summary, the available evidence is currently insufficient to determine the role of this variant in disease. Therefore, it has been classified as a Variant of Uncertain Significance. Algorithms developed to predict the effect of missense changes on protein structure and function (SIFT, PolyPhen-2, Align-GVGD) all suggest that this variant is likely to be disruptive. This variant has not been reported in the literature in individuals affected with SYNE1-related conditions. This variant is not present in population databases (gnomAD no frequency). This sequence change replaces histidine, which is basic and polar, with tyrosine, which is neutral and polar, at codon 5932 of the SYNE1 protein (p.His5932Tyr).

NM_182961.4(SYNE1):c.18007C>T (p.His6003Tyr)

Gene: SYNE1 (spectrin repeat containing nuclear envelope protein 1; minus strand). Cytogenetic location: 6q25.2.
Variant type: single nucleotide variant.
Coding change: c.18007C>T on transcript NM_182961.4 (MANE Select); coding-DNA position 18007, C replaced by T.
Protein change: p.His6003Tyr; replaces histidine 6003 with tyrosine.
Molecular consequence: missense variant.
Genome position (GRCh38, 1-based): chr6:152,293,593, G>A on the plus strand (C>T on the coding strand, the complement: SYNE1 is on the minus strand). VCF-style: chr6-152293593-G-A. GRCh37 (hg19) VCF-style: chr6-152614728-G-A.
Other names: c.17794C>T, p.His5932Tyr (NM_033071.5); short protein forms H6003Y, H5932Y.
Identifiers: ClinVar variation 1963539 (VCV001963539.5), dbSNP rs911194820, ClinGen allele CA150192815.